The following is an entry in ClinVar:

ClinVar aggregate classification (germline): Likely pathogenic (1 of 4 stars; one submission).

Conditions:
AARS2-related disorder. Also called: AARS2-related disorders; AARS2-related condition. Identifiers: MedGen CN381518, MONDO:1060240.

Submission:

Women's Health and Genetics/Laboratory Corporation of America, LabCorp
Classification: Likely pathogenic for AARS2-Related Disorders. Last evaluated: 2022-11-29. Review status: criteria provided, single submitter. Criteria: LabCorp Variant Classification Summary - May 2015. Collection method: clinical testing. Allele origin: germline.
Comment: Variant summary: AARS2 c.233delG (p.Gly78AlafsX2) results in a premature termination codon, predicted to cause a truncation of the encoded protein or absence of the protein due to nonsense mediated decay. Alternatively, N-terminal truncation- or extension of the encoded protein can also occur due to translation initiation at an alternative initiation codon. Truncations downstream, and missense variants upstream of this position have been reported in individuals affected with AARS2-Related Disorders (HGMD). The variant was absent in 245612 control chromosomes (gnomAD). To our knowledge, no occurrence of c.233delG in individuals affected with AARS2-Related Disorders and no experimental evidence demonstrating its impact on protein function have been reported. No clinical diagnostic laboratories have submitted clinical-significance assessments for this variant to ClinVar after 2014. Based on the evidence outlined above, the variant was classified as likely pathogenic.

NM_020745.4(AARS2):c.233del (p.Gly78fs)

Gene: AARS2 (alanyl-tRNA synthetase 2, mitochondrial; minus strand). Cytogenetic location: 6p21.1.
Variant type: Deletion.
Coding change: c.233del on transcript NM_020745.4 (MANE Select); coding-DNA position 233, one base deleted (G; older notation c.233delG).
Protein change: p.Gly78fs; shifts the reading frame from glycine 78.
Molecular consequence: frameshift variant.
Genome position (GRCh38, 1-based): chr6:44,313,091, C deleted on the plus strand (G on the coding strand, the reverse complement: AARS2 is on the minus strand); the first of 3 consecutive C bases (chr6:44,313,091-44,313,093); deleting any one gives the same sequence. VCF-style (leftmost placement, unchanged base first): chr6-44313090-GC-G. GRCh37 (hg19) VCF-style: chr6-44280827-GC-G.
Other names: short protein forms G78fs.
Identifiers: ClinVar variation 1804818 (VCV001804818.1), dbSNP rs2534732785, ClinGen allele CA2580074677.